The following is an entry in ClinVar:

ClinVar aggregate classification (germline): Uncertain significance (1 of 4 stars; one submission).

Conditions:
Bardet-Biedl syndrome (BBS). Identifiers: Orphanet 110, MedGen C0752166, MONDO:0015229.

Submission:

Labcorp Genetics (formerly Invitae), Labcorp
Classification: Uncertain significance for Bardet-Biedl syndrome. Last evaluated: 2023-06-13. Review status: criteria provided, single submitter. Criteria: Invitae Variant Classification Sherloc (09022015). Collection method: clinical testing. Allele origin: germline.
Comment: This sequence change replaces tyrosine, which is neutral and polar, with histidine, which is basic and polar, at codon 89 of the BBS2 protein (p.Tyr89His). This variant is not present in population databases (gnomAD no frequency). This variant has not been reported in the literature in individuals affected with BBS2-related conditions. ClinVar contains an entry for this variant (Variation ID: 2183863). Advanced modeling of protein sequence and biophysical properties (such as structural, functional, and spatial information, amino acid conservation, physicochemical variation, residue mobility, and thermodynamic stability) performed at Invitae indicates that this missense variant is not expected to disrupt BBS2 protein function. In summary, the available evidence is currently insufficient to determine the role of this variant in disease. Therefore, it has been classified as a Variant of Uncertain Significance.

NM_031885.5(BBS2):c.265T>C (p.Tyr89His)

Gene: BBS2 (Bardet-Biedl syndrome 2; minus strand). Cytogenetic location: 16q13.
Variant type: single nucleotide variant.
Coding change: c.265T>C on transcript NM_031885.5 (MANE Select); coding-DNA position 265, T replaced by C.
Protein change: p.Tyr89His; replaces tyrosine 89 with histidine.
Molecular consequence: missense variant. On other transcripts: non-coding transcript variant (5).
Genome position (GRCh38, 1-based): chr16:56,514,533, A>G on the plus strand (T>C on the coding strand, the complement: BBS2 is on the minus strand). VCF-style: chr16-56514533-A-G. GRCh37 (hg19) VCF-style: chr16-56548445-A-G.
Other names: c.265T>C, p.Tyr89His (NM_001377456.1); short protein forms Y89H.
Identifiers: ClinVar variation 2183863 (VCV002183863.4), dbSNP rs2543741451, ClinGen allele CA395985695.